The following is an entry in ClinVar:

ClinVar aggregate classification (germline): Uncertain significance (1 of 4 stars; one submission).

Conditions:
Cardiovascular phenotype. Identifiers: MedGen CN230736.

Submission:

Ambry Genetics
Classification: Uncertain significance for Cardiovascular phenotype. Last evaluated: 2023-07-27. Review status: criteria provided, single submitter. Criteria: Ambry Variant Classification Scheme 2023. Collection method: clinical testing. Allele origin: germline.
Comment: The p.I420M variant (also known as c.1260C>G), located in coding exon 9 of the LMF1 gene, results from a C to G substitution at nucleotide position 1260. The isoleucine at codon 420 is replaced by methionine, an amino acid with highly similar properties. This amino acid position is conserved. In addition, the in silico prediction for this alteration is inconclusive. Since supporting evidence is limited at this time, the clinical significance of this alteration remains unclear.

NM_022773.4(LMF1):c.1260C>G (p.Ile420Met)

Gene: LMF1 (lipase maturation factor 1; minus strand). Cytogenetic location: 16p13.3.
Variant type: single nucleotide variant.
Coding change: c.1260C>G on transcript NM_022773.4 (MANE Select); coding-DNA position 1260, C replaced by G.
Protein change: p.Ile420Met; replaces isoleucine 420 with methionine.
Molecular consequence: missense variant. On other transcripts: non-coding transcript variant (1).
Genome position (GRCh38, 1-based): chr16:870,039, G>C on the plus strand (C>G on the coding strand, the complement: LMF1 is on the minus strand). VCF-style: chr16-870039-G-C. GRCh37 (hg19) VCF-style: chr16-920039-G-C.
Other names: c.609C>G, p.Ile203Met (NM_001352017.2, NM_001352021.2); c.861C>G, p.Ile287Met (NM_001352018.2); c.933C>G, p.Ile311Met (NM_001352019.2); c.1260C>G, p.Ile420Met (NM_001352020.1); short protein forms I203M, I311M, I287M, I420M.
Identifiers: ClinVar variation 2586482 (VCV002586482.2), dbSNP rs2544492304, ClinGen allele CA394124615.